The following is an entry in ClinVar:

ClinVar aggregate classification (germline): Uncertain significance. Review status: criteria provided, multiple submitters, no conflicts (2 of 4 stars). 4 submissions from 4 submitters: Uncertain significance (2). 2 of the submissions do not count toward it. Last evaluated 2024-10-28.

Conditions:
Glycine encephalopathy 1 (GCE1). Identifiers: MedGen CN376801, MONDO:0958179, OMIM 605899.
Glycine encephalopathy. Also called: Non-ketotic hyperglycinemia; Nonketotic hyperglycinemia. Identifiers: Orphanet 407, MedGen C0751748, MONDO:0011612, HP:0008288.

Allele frequency attached by ClinVar (database versions not stated): gnomAD exomes 0.00001 and 0.00004; TOPMed 0.00002; ExAC 0.00003; gnomAD 0.00003 and 0.00004.
gnomAD v4.1: 12 of 1,613,840 alleles (0.00074%); highest among the groups gnomAD compares: Admixed American, 0.02%; no homozygotes.

Submissions (4):

Labcorp Genetics (formerly Invitae), Labcorp
Classification: Uncertain significance for Glycine encephalopathy. Last evaluated: 2024-10-28. Review status: criteria provided, single submitter. Criteria: Invitae Variant Classification Sherloc (09022015). Collection method: clinical testing. Allele origin: germline.
Comment: This sequence change replaces proline, which is neutral and non-polar, with arginine, which is basic and polar, at codon 251 of the AMT protein (p.Pro251Arg). This variant is present in population databases (rs770999859, gnomAD 0.02%). This missense change has been observed in individual(s) with non-syndromic myelomeningocele (PMID: 27620832). ClinVar contains an entry for this variant (Variation ID: 551763). Invitae Evidence Modeling of protein sequence and biophysical properties (such as structural, functional, and spatial information, amino acid conservation, physicochemical variation, residue mobility, and thermodynamic stability) indicates that this missense variant is not expected to disrupt AMT protein function with a negative predictive value of 95%. In summary, the available evidence is currently insufficient to determine the role of this variant in disease. Therefore, it has been classified as a Variant of Uncertain Significance.

Women's Health and Genetics/Laboratory Corporation of America, LabCorp
Classification: Uncertain significance. Last evaluated: 2022-04-25. Review status: criteria provided, single submitter. Criteria: LabCorp Variant Classification Summary - May 2015. Collection method: clinical testing. Allele origin: germline.
Comment: Variant summary: AMT c.752C>G (p.Pro251Arg) results in a non-conservative amino acid change located in the Aminomethyltransferase, folate-binding domain of the encoded protein sequence. The variant allele was found at a frequency of 3.6e-05 in 251304 control chromosomes. The available data on variant occurrences in the general population are insufficient to allow any conclusion about variant significance. c.752C>G has been reported in the literature in one individual affected with Myelomeningocele. This report does not provide unequivocal conclusions about association of the variant with Glycine Encephalopathy (Non-Ketotic Hyperglycinemia). To our knowledge, no experimental evidence demonstrating an impact on protein function has been reported. Three clinical diagnostic laboratories have submitted clinical-significance assessments for this variant to ClinVar after 2014 without evidence for independent evaluation. All laboratories classified the variant as uncertain significance. Based on the evidence outlined above, the variant was classified as uncertain significance.

Natera, Inc.
Classification: Uncertain significance for Non-ketotic hyperglycinemia. Last evaluated: 2020-09-16. Review status: no assertion criteria provided. Collection method: clinical testing. Allele origin: germline. Not counted in ClinVar's aggregate classification.

Counsyl
Classification: Uncertain significance for Glycine encephalopathy 1. Last evaluated: 2017-05-15. Review status: no assertion criteria provided. Collection method: clinical testing. Allele origin: unknown. Not counted in ClinVar's aggregate classification.

Literature cited by the submitters: PubMed 27620832 (cited by 3 submitters).

NM_000481.4(AMT):c.752C>G (p.Pro251Arg)

Gene: AMT (aminomethyltransferase; minus strand). Cytogenetic location: 3p21.31.
Variant type: single nucleotide variant.
Coding change: c.752C>G on transcript NM_000481.4 (MANE Select); coding-DNA position 752, C replaced by G.
Protein change: p.Pro251Arg; replaces proline 251 with arginine.
Molecular consequence: missense variant. On other transcripts: non-coding transcript variant (1).
Genome position (GRCh38, 1-based): chr3:49,419,096, G>C on the plus strand (C>G on the coding strand, the complement: AMT is on the minus strand). VCF-style: chr3-49419096-G-C. GRCh37 (hg19) VCF-style: chr3-49456529-G-C.
Other names: c.620C>G, p.Pro207Arg (NM_001164710.2); c.584C>G, p.Pro195Arg (NM_001164711.2); c.752C>G, p.Pro251Arg (NM_001164712.2); short protein forms P251R, P207R, P195R.
Identifiers: ClinVar variation 551763 (VCV000551763.8), dbSNP rs770999859, ClinGen allele CA2398242.
Genomic context (GRCh38, chr3:49,419,096, plus strand): 5'-CAGAGGCCTGCCTCCAGGCGCAGGCTGTCCCTGGCTGCCAGCCCTGCCAGCTTCACCTCT[G>C]GGTTTTTCAGAATAGCTGTTGCCAGGTGAACTGCCCCCGCTACCGGCACCGAGATCTGTA-3'
Protein context (NP_000472.2, residues 241-261): VHLATAILKN[Pro251Arg]EVKLAGLAAR